The following is an entry in ClinVar:

ClinVar aggregate classification (germline): Uncertain significance (1 of 4 stars; one submission).

Conditions:
Bethlem myopathy 1A. Also called: Bethlem myopathy 1; Bethlem Muscular Dystrophy; MYOPATHY, BENIGN CONGENITAL, WITH CONTRACTURES. Identifiers: Orphanet 610, MedGen CN029274, MONDO:0024530, OMIM 158810.

Submission:

Labcorp Genetics (formerly Invitae), Labcorp
Classification: Uncertain significance for Bethlem myopathy 1A. Last evaluated: 2021-04-19. Review status: criteria provided, single submitter. Criteria: Invitae Variant Classification Sherloc (09022015). Collection method: clinical testing. Allele origin: germline.
Comment: This sequence change replaces proline with leucine at codon 687 of the COL6A3 protein (p.Pro687Leu). The proline residue is highly conserved and there is a moderate physicochemical difference between proline and leucine. This variant is not present in population databases (ExAC no frequency). This variant has not been reported in the literature in individuals with COL6A3-related conditions. Advanced modeling of protein sequence and biophysical properties (such as structural, functional, and spatial information, amino acid conservation, physicochemical variation, residue mobility, and thermodynamic stability) performed at Invitae indicates that this missense variant is not expected to disrupt COL6A3 protein function. In summary, the available evidence is currently insufficient to determine the role of this variant in disease. Therefore, it has been classified as a Variant of Uncertain Significance.

NM_004369.4(COL6A3):c.2060C>T (p.Pro687Leu)

Gene: COL6A3 (collagen type VI alpha 3 chain; minus strand). Cytogenetic location: 2q37.3.
Variant type: single nucleotide variant.
Coding change: c.2060C>T on transcript NM_004369.4 (MANE Select); coding-DNA position 2060, C replaced by T.
Protein change: p.Pro687Leu; replaces proline 687 with leucine.
Molecular consequence: missense variant. On other transcripts: intron variant (1).
Genome position (GRCh38, 1-based): chr2:237,379,073, G>A on the plus strand (C>T on the coding strand, the complement: COL6A3 is on the minus strand). VCF-style: chr2-237379073-G-A. GRCh37 (hg19) VCF-style: chr2-238287716-G-A.
Other names: c.839C>T, p.Pro280Leu (NM_057164.5); c.1442C>T, p.Pro481Leu (NM_057165.5, NM_057167.4); c.677-1729C>T (NM_057166.5); short protein forms P280L, P481L, P687L.
Identifiers: ClinVar variation 1460763 (VCV001460763.8), dbSNP rs2106367262, ClinGen allele CA351214745.